The following is an entry in ClinVar:

ClinVar aggregate classification (germline): Uncertain significance (1 of 4 stars; one submission).

Allele frequency attached by ClinVar (database versions not stated): gnomAD exomes 0.00001; TOPMed 0.00001.
gnomAD v4.1: 19 of 1,565,714 alleles (0.0012%); highest among the groups gnomAD compares: Non-Finnish European, 0.0016%; no homozygotes.

Submission:

Labcorp Genetics (formerly Invitae), Labcorp
Classification: Uncertain significance. Last evaluated: 2022-08-21. Review status: criteria provided, single submitter. Criteria: Invitae Variant Classification Sherloc (09022015). Collection method: clinical testing. Allele origin: germline.
Comment: This sequence change replaces serine, which is neutral and polar, with arginine, which is basic and polar, at codon 358 of the LTBP4 protein (p.Ser358Arg). This variant is present in population databases (no rsID available, gnomAD 0.007%). This variant has not been reported in the literature in individuals affected with LTBP4-related conditions. Experimental studies and prediction algorithms are not available or were not evaluated, and the functional significance of this variant is currently unknown. In summary, the available evidence is currently insufficient to determine the role of this variant in disease. Therefore, it has been classified as a Variant of Uncertain Significance.

NM_001042545.2(LTBP4):c.984C>A (p.Ser328Arg)

Gene: LTBP4 (latent transforming growth factor beta binding protein 4; plus strand). Cytogenetic location: 19q13.2.
Variant type: single nucleotide variant.
Coding change: c.984C>A on transcript NM_001042545.2 (MANE Select); coding-DNA position 984, C replaced by A.
Protein change: p.Ser328Arg; replaces serine 328 with arginine.
Molecular consequence: missense variant.
Genome position (GRCh38, 1-based): chr19:40,606,519, C>A. VCF-style: chr19-40606519-C-A. GRCh37 (hg19) VCF-style: chr19-41112425-C-A.
Other names: c.1185C>A, p.Ser395Arg (NM_001042544.1); c.1074C>A, p.Ser358Arg (NM_003573.2); short protein forms S358R, S395R, S328R.
Identifiers: ClinVar variation 1913992 (VCV001913992.2), dbSNP rs1290060412, ClinGen allele CA405934981.